The following is an entry in ClinVar:

NM_001365951.3(KIF1B):c.3865-5_3865-2del

Gene: KIF1B (kinesin family member 1B; plus strand). Cytogenetic location: 1p36.22.
Variant type: Deletion.
Coding change: c.3865-5_3865-2del on transcript NM_001365951.3 (MANE Select); 5 bases into the intron before coding-DNA position 3865 through the canonical splice acceptor site of the intron before coding-DNA position 3865, 4 bases deleted (CCTA; older notation c.3865-5_3865-2delCCTA).
Molecular consequence: splice acceptor variant.
Genome position (GRCh38, 1-based): chr1:10,348,644-10,348,647, CCTA deleted; deleting any 4 consecutive bases within chr1:10,348,642-10,348,647 gives the same sequence; the c. name uses the placement nearest the transcript's 3' end. VCF-style (leftmost placement, unchanged base first): chr1-10348641-TTACC-T. GRCh37 (hg19) VCF-style: chr1-10408699-TTACC-T.
Other names: c.3727-5_3727-2del (NM_015074.3); c.3865-5_3865-2del (NM_001365952.1); c.3727-5_3727-2delCCTA (NM_015074.3).
Identifiers: ClinVar variation 2563606 (VCV002563606.2), dbSNP rs2521798476, ClinGen allele CA2580611402.

ClinVar aggregate classification (germline): Uncertain significance (1 of 4 stars; one submission).

Submission:

Ambry Genetics
Classification: Uncertain significance. Last evaluated: 2023-05-09. Review status: criteria provided, single submitter. Criteria: Ambry Variant Classification Scheme 2023. Collection method: clinical testing. Allele origin: germline.
Comment: The c.3727-5_3727-2delCCTA intronic variant begins 5 nucleotides before coding exon 34 of the KIF1B gene. This variant results from a deletion of 4 nucleotides at positions c.3727-5 to c.3727-2. This nucleotide region is not well conserved in available vertebrate species. In silico splice site analysis predicts that this alteration may weaken the native splice acceptor site. The evidence for this gene-disease relationship is limited; therefore, the clinical significance of this alteration is unclear.